The following is an entry in ClinVar:

NM_182972.3(IRF2BP2):c.719C>T (p.Ser240Phe)

Gene: IRF2BP2 (interferon regulatory factor 2 binding protein 2; minus strand). Cytogenetic location: 1q42.3.
Variant type: single nucleotide variant.
Coding change: c.719C>T on transcript NM_182972.3 (MANE Select); coding-DNA position 719, C replaced by T.
Protein change: p.Ser240Phe; replaces serine 240 with phenylalanine.
Molecular consequence: missense variant.
Genome position (GRCh38, 1-based): chr1:234,608,776, G>A on the plus strand (C>T on the coding strand, the complement: IRF2BP2 is on the minus strand). VCF-style: chr1-234608776-G-A. GRCh37 (hg19) VCF-style: chr1-234744522-G-A.
Other names: c.719C>T, p.Ser240Phe (NM_001077397.1); short protein forms S240F.
Identifiers: ClinVar variation 2792375 (VCV002792375.3), dbSNP rs771536127, ClinGen allele CA345308816.
Genomic context (GRCh38, chr1:234,608,776, plus strand): 5'-TGTTTCTCCTTGGCTGCCGCCTCACGCTGCTCGTGCTCCACGGCAGCGCTGCTCGACACG[G>A]ATGCCGGCCGCTTGTGGGCGCCCAGATCGGTGGGCTGCGCGGAGCCCAGGCTGGCGGCCG-3'
Protein context (NP_892017.2, residues 230-250): TDLGAHKRPA[Ser240Phe]VSSSAAVEHE

ClinVar aggregate classification (germline): Uncertain significance (1 of 4 stars; one submission).

Submission:

Labcorp Genetics (formerly Invitae), Labcorp
Classification: Uncertain significance. Last evaluated: 2023-06-04. Review status: criteria provided, single submitter. Criteria: Invitae Variant Classification Sherloc (09022015). Collection method: clinical testing. Allele origin: germline.
Comment: In summary, the available evidence is currently insufficient to determine the role of this variant in disease. Therefore, it has been classified as a Variant of Uncertain Significance. An algorithm developed to predict the effect of missense changes on protein structure and function (PolyPhen-2) suggests that this variant is likely to be disruptive. This variant has not been reported in the literature in individuals affected with IRF2BP2-related conditions. This variant is not present in population databases (gnomAD no frequency). This sequence change replaces serine, which is neutral and polar, with phenylalanine, which is neutral and non-polar, at codon 240 of the IRF2BP2 protein (p.Ser240Phe).